The following is an entry in ClinVar:

NM_001197104.2(KMT2A):c.7483C>T (p.Leu2495Phe)

Gene: KMT2A (lysine methyltransferase 2A; plus strand). Cytogenetic location: 11q23.3.
Variant type: single nucleotide variant.
Coding change: c.7483C>T on transcript NM_001197104.2 (MANE Select); coding-DNA position 7483, C replaced by T.
Protein change: p.Leu2495Phe; replaces leucine 2495 with phenylalanine.
Molecular consequence: missense variant.
Genome position (GRCh38, 1-based): chr11:118,503,375, C>T. VCF-style: chr11-118503375-C-T. GRCh37 (hg19) VCF-style: chr11-118374090-C-T.
Other names: c.7573C>T, p.Leu2525Phe (NM_001412597.1); c.7474C>T, p.Leu2492Phe (NM_005933.4); short protein forms L2492F, L2495F, L2525F.
Identifiers: ClinVar variation 3697592 (VCV003697592.2).
Genomic context (GRCh38, chr11:118,503,375, plus strand): 5'-GAGTATATGGGCCAACGACCATGTAACAATGTTTCTTCTGATAAGATTGGTGATAAAGGC[C>T]TTTCTATGCCAGGAGTCCCCAAAGCTCCACCCATGCAAGTAGAAGGATCTGCCAAGGAAT-3'
Protein context (NP_001184033.1, residues 2485-2505): VSSDKIGDKG[Leu2495Phe]SMPGVPKAPP

ClinVar aggregate classification (germline): Uncertain significance (1 of 4 stars; one submission).

gnomAD v4.1: 1 of 1,614,102 alleles (0.000062%); highest among the groups gnomAD compares: Non-Finnish European, 0.000085%; no homozygotes.

Submission:

Labcorp Genetics (formerly Invitae), Labcorp
Classification: Uncertain significance. Last evaluated: 2024-05-27. Review status: criteria provided, single submitter. Criteria: Invitae Variant Classification Sherloc (09022015). Collection method: clinical testing. Allele origin: germline.
Comment: This sequence change replaces leucine, which is neutral and non-polar, with phenylalanine, which is neutral and non-polar, at codon 2495 of the KMT2A protein (p.Leu2495Phe). This variant is not present in population databases (gnomAD no frequency). This variant has not been reported in the literature in individuals affected with KMT2A-related conditions. Advanced modeling of protein sequence and biophysical properties (such as structural, functional, and spatial information, amino acid conservation, physicochemical variation, residue mobility, and thermodynamic stability) performed at Invitae indicates that this missense variant is not expected to disrupt KMT2A protein function with a negative predictive value of 95%. In summary, the available evidence is currently insufficient to determine the role of this variant in disease. Therefore, it has been classified as a Variant of Uncertain Significance.